The following is an entry in ClinVar:

ClinVar aggregate classification (germline): Uncertain significance (1 of 4 stars; one submission).

Conditions:
Aniridia 1 (AN1). Identifiers: Orphanet 250923, MedGen C0344542, MONDO:0024507, OMIM 106210.
Irido-corneo-trabecular dysgenesis (ASGD5). Also called: ANTERIOR SEGMENT DYSGENESIS 5. Identifiers: Orphanet 708, MedGen C0344559, MONDO:0011414, OMIM 604229, HP:0000659.

Allele frequency attached by ClinVar (database versions not stated): TOPMed below 0.00001.
gnomAD v4.1: 2 of 1,614,096 alleles (0.00012%); highest among the groups gnomAD compares: African/African-American, 0.0027%; no homozygotes.

Submission:

Labcorp Genetics (formerly Invitae), Labcorp
Classification: Uncertain significance for Aniridia 1; Irido-corneo-trabecular dysgenesis. Last evaluated: 2024-07-24. Review status: criteria provided, single submitter. Criteria: Invitae Variant Classification Sherloc (09022015). Collection method: clinical testing. Allele origin: germline.
Comment: This sequence change replaces methionine, which is neutral and non-polar, with isoleucine, which is neutral and non-polar, at codon 381 of the PAX6 protein (p.Met381Ile). This variant is not present in population databases (gnomAD no frequency). This variant has not been reported in the literature in individuals affected with PAX6-related conditions. Advanced modeling of protein sequence and biophysical properties (such as structural, functional, and spatial information, amino acid conservation, physicochemical variation, residue mobility, and thermodynamic stability) performed at Invitae indicates that this missense variant is not expected to disrupt PAX6 protein function with a negative predictive value of 95%. In summary, the available evidence is currently insufficient to determine the role of this variant in disease. Therefore, it has been classified as a Variant of Uncertain Significance.

NM_001368894.2(PAX6):c.1185G>T (p.Met395Ile)

Gene: PAX6 (paired box 6; minus strand). Cytogenetic location: 11p13.
Variant type: single nucleotide variant.
Coding change: c.1185G>T on transcript NM_001368894.2 (MANE Select); coding-DNA position 1185, G replaced by T.
Protein change: p.Met395Ile; replaces methionine 395 with isoleucine.
Molecular consequence: missense variant. On other transcripts: non-coding transcript variant (1), intron variant (9).
Genome position (GRCh38, 1-based): chr11:31,790,750, C>A on the plus strand (G>T on the coding strand, the complement: PAX6 is on the minus strand). VCF-style: chr11-31790750-C-A. GRCh37 (hg19) VCF-style: chr11-31812298-C-A.
Other names: c.1143G>T, p.Met381Ile (NM_000280.6, NM_001127612.3, NM_001258464.2 and 6 more transcripts); c.1185G>T, p.Met395Ile (NM_001258462.3, NM_001258463.2, NM_001310158.2 and 3 more transcripts); c.735G>T, p.Met245Ile (NM_001310160.2, NM_001310161.3, NM_001368899.2 and 10 more transcripts); c.1386G>T, p.Met462Ile (NM_001368910.2); c.1260G>T, p.Met420Ile (NM_001368918.2, NM_001368919.2); c.1218G>T, p.Met406Ile (NM_001368920.2); c.984G>T, p.Met328Ile (NM_001368922.2, NM_001368923.2, NM_001368924.2 and 3 more transcripts); c.942G>T, p.Met314Ile (NM_001368928.2); and 6 more; short protein forms M180I, M395I, M328I, M462I, M314I, M381I, M406I, M420I.
Identifiers: ClinVar variation 2933414 (VCV002933414.3), dbSNP rs1020483111, ClinGen allele CA219479173.
Genomic context (GRCh38, chr11:31,790,750, plus strand): 5'-TGCAGAAAGCAGTGGCTCACCTGTTGAAGTGGTGCCCGAGGTGCCCATTGGCTGACTGTT[C>A]ATGTGTGTCTGCATATGTGGGGGGGTGTAGGTATCATAACTCCGCCCATTCACCGAAGGG-3'
Protein context (NP_001355823.1, residues 385-405): TYTPPHMQTH[Met395Ile]NSQPMGTSGT